The following is an entry in ClinVar:

NM_003718.5(CDK13):c.1465G>A (p.Ala489Thr)

Gene: CDK13 (cyclin dependent kinase 13; plus strand). Cytogenetic location: 7p14.1.
Variant type: single nucleotide variant.
Coding change: c.1465G>A on transcript NM_003718.5 (MANE Select); coding-DNA position 1465, G replaced by A.
Protein change: p.Ala489Thr; replaces alanine 489 with threonine.
Molecular consequence: missense variant.
Genome position (GRCh38, 1-based): chr7:39,987,852, G>A. VCF-style: chr7-39987852-G-A. GRCh37 (hg19) VCF-style: chr7-40027451-G-A.
Other names: c.1465G>A, p.Ala489Thr (NM_031267.4); short protein forms A489T.
Identifiers: ClinVar variation 2787014 (VCV002787014.4), dbSNP rs190477216, ClinGen allele CA4228498.

ClinVar aggregate classification (germline): Conflicting classifications of pathogenicity. Review status: criteria provided, conflicting classifications (1 of 4 stars). 2 submissions from 2 submitters: Uncertain significance (1); Likely benign (1). Last evaluated 2025-04-20.

Conditions:
Inborn genetic diseases. Identifiers: MedGen C0950123, MeSH D030342.

Allele frequency attached by ClinVar (database versions not stated): gnomAD exomes below 0.00001; TOPMed below 0.00001; gnomAD 0.00001; ExAC 0.00003; 1000 Genomes Project 30x 0.00016; 1000 Genomes Project 0.00020.
gnomAD v4.1: 7 of 1,614,184 alleles (0.00043%); highest among the groups gnomAD compares: East Asian, 0.013%; no homozygotes.

Submissions (2):

Ambry Genetics
Classification: Likely benign for Inborn genetic diseases. Last evaluated: 2025-04-20. Review status: criteria provided, single submitter. Criteria: Ambry Variant Classification Scheme 2023. Collection method: clinical testing. Allele origin: germline.

Labcorp Genetics (formerly Invitae), Labcorp
Classification: Uncertain significance. Last evaluated: 2022-11-09. Review status: criteria provided, single submitter. Criteria: Invitae Variant Classification Sherloc (09022015). Collection method: clinical testing. Allele origin: germline.
Comment: In summary, the available evidence is currently insufficient to determine the role of this variant in disease. Therefore, it has been classified as a Variant of Uncertain Significance. Advanced modeling of protein sequence and biophysical properties (such as structural, functional, and spatial information, amino acid conservation, physicochemical variation, residue mobility, and thermodynamic stability) performed at Invitae indicates that this missense variant is not expected to disrupt CDK13 protein function. This variant has not been reported in the literature in individuals affected with CDK13-related conditions. This variant is present in population databases (rs190477216, gnomAD 0.03%). This sequence change replaces alanine, which is neutral and non-polar, with threonine, which is neutral and polar, at codon 489 of the CDK13 protein (p.Ala489Thr).